The following is an entry in ClinVar:

ClinVar aggregate classification (germline): Uncertain significance (1 of 4 stars; one submission).

Submission:

GeneDx
Classification: Uncertain significance. Last evaluated: 2025-08-25. Review status: criteria provided, single submitter. Criteria: GeneDx Variant Classification Process June 2021. Collection method: clinical testing. Allele origin: germline. Affected: yes.
Comment: Not observed at significant frequency in large population cohorts (gnomAD); Canonical splice site variant in a gene for which loss-of-function is not an established mechanism of disease; Has not been previously published as pathogenic or benign to our knowledge

NM_004715.5(CTDP1):c.864-3_864-1del

Gene: CTDP1 (CTD phosphatase subunit 1; plus strand). Cytogenetic location: 18q23.
Variant type: Deletion.
Coding change: c.864-3_864-1del on transcript NM_004715.5 (MANE Select); 3 bases into the intron before coding-DNA position 864 through the canonical splice acceptor site of the intron before coding-DNA position 864, 3 bases deleted (TAG; older notation c.864-3_864-1delTAG).
Molecular consequence: splice acceptor variant.
Genome position (GRCh38, 1-based): chr18:79,712,969-79,712,971, TAG deleted; deleting any 3 consecutive bases within chr18:79,712,968-79,712,971 gives the same sequence; the c. name uses the placement nearest the transcript's 3' end. VCF-style (leftmost placement, unchanged base first): chr18-79712967-TGTA-T. GRCh37 (hg19) VCF-style: chr18-77472967-TGTA-T.
Other names: c.864-3_864-1del (NM_001318511.2, NM_048368.4); c.507-3_507-1del (NM_001202504.1).
Identifiers: ClinVar variation 4812908 (VCV004812908.1).